The following is an entry in ClinVar:

ClinVar aggregate classification (germline): Conflicting classifications of pathogenicity. Review status: criteria provided, conflicting classifications (1 of 4 stars). 2 submissions from 2 submitters: Uncertain significance (1); Likely benign (1). Last evaluated 2025-09-01.

Allele frequency attached by ClinVar (database versions not stated): gnomAD exomes 0.00001.

Submissions (2):

Ambry Genetics
Classification: Likely benign. Last evaluated: 2025-09-01. Review status: criteria provided, single submitter. Criteria: Ambry Variant Classification Scheme 2023. Collection method: clinical testing. Allele origin: germline.

Labcorp Genetics (formerly Invitae), Labcorp
Classification: Uncertain significance. Last evaluated: 2025-03-20. Review status: criteria provided, single submitter. Criteria: Invitae Variant Classification Sherloc (09022015). Collection method: clinical testing. Allele origin: germline.
Comment: This sequence change replaces glycine, which is neutral and non-polar, with serine, which is neutral and polar, at codon 229 of the ICOSLG protein (p.Gly229Ser). This variant is present in population databases (no rsID available, gnomAD 0.03%). This variant has not been reported in the literature in individuals affected with ICOSLG-related conditions. ClinVar contains an entry for this variant (Variation ID: 1356234). An algorithm developed to predict the effect of missense changes on protein structure and function outputs the following: PolyPhen-2: "Benign". The serine amino acid residue is found in multiple mammalian species, which suggests that this missense change does not adversely affect protein function. In summary, the available evidence is currently insufficient to determine the role of this variant in disease. Therefore, it has been classified as a Variant of Uncertain Significance.

NM_015259.6(ICOSLG):c.685G>A (p.Gly229Ser)

Gene: ICOSLG (inducible T cell costimulator ligand; minus strand). Cytogenetic location: 21q22.3.
Variant type: single nucleotide variant.
Coding change: c.685G>A on transcript NM_015259.6 (MANE Select); coding-DNA position 685, G replaced by A.
Protein change: p.Gly229Ser; replaces glycine 229 with serine.
Molecular consequence: missense variant.
Genome position (GRCh38, 1-based): chr21:44,235,284, C>T on the plus strand (G>A on the coding strand, the complement: ICOSLG is on the minus strand). VCF-style: chr21-44235284-C-T. GRCh37 (hg19) VCF-style: chr21-45655167-C-T.
Other names: c.685G>A, p.Gly229Ser (NM_001283050.2); c.334G>A, p.Gly112Ser (NM_001283051.2); c.430G>A, p.Gly144Ser (NM_001283052.2); c.604G>A, p.Gly202Ser (NM_001365759.2); c.685G>A (NM_015259.4); short protein forms G112S, G144S, G229S, G202S.
Identifiers: ClinVar variation 1356234 (VCV001356234.9), dbSNP rs1055291520, ClinGen allele CA321497031.